The following is an entry in ClinVar:

ClinVar aggregate classification (germline): Likely pathogenic (1 of 4 stars; one submission).

Conditions:
Renal cysts and diabetes syndrome (RCAD). Also called: MATURITY-ONSET DIABETES OF THE YOUNG, TYPE 5; Familial hypoplastic, glomerulocystic kidney. Identifiers: Orphanet 93111, MedGen C0431693, MONDO:0007669, OMIM 137920.

Submission:

3billion
Classification: Likely pathogenic for Renal cysts and diabetes syndrome. Last evaluated: 2024-06-03. Review status: criteria provided, single submitter. Criteria: ACMG Guidelines, 2015. Collection method: clinical testing. Allele origin: germline. Affected: yes.
Comment: The variant is not observed in the gnomAD v4.0.0 dataset. Predicted Consequence/Location: The variant is located in a mutational hot spot and/or well-established functional domain in which established pathogenic variants have been reported (PMID: 15509593, 12453420). In silico tool predictions suggest damaging effect of the variant on gene or gene product [REVEL: 0.95 (>=0.6, sensitivity 0.68 and specificity 0.92); 3Cnet: 1.00 (>=0.6, sensitivity 0.72 and precision 0.9)]. The different nucleotide change resulting in the same amino acid change has been previously reported to be associated with HNF1B related disorder(ClinVar ID: VCV000635679 /PMID: 31198537). A different missense change at the same codon (p.Trp171Arg) has been reported as pathogenic/likely pathogenic with strong evidence (ClinVar ID: VCV000036850). Therefore, this variant is classified as Likely pathogenic according to the recommendation of ACMG/AMP guideline.

Literature cited by the submitters: PubMed 31198537; PubMed 12453420; PubMed 15509593.

NM_000458.4(HNF1B):c.513G>T (p.Trp171Cys)

Gene: HNF1B (HNF1 homeobox B; minus strand). Cytogenetic location: 17q12.
Variant type: single nucleotide variant.
Coding change: c.513G>T on transcript NM_000458.4 (MANE Select); coding-DNA position 513, G replaced by T.
Protein change: p.Trp171Cys; replaces tryptophan 171 with cysteine.
Molecular consequence: missense variant.
Genome position (GRCh38, 1-based): chr17:37,739,471, C>A on the plus strand (G>T on the coding strand, the complement: HNF1B is on the minus strand). VCF-style: chr17-37739471-C-A. GRCh37 (hg19) VCF-style: chr17-36099462-C-A.
Other names: c.513G>T, p.Trp171Cys (NM_001165923.4, NM_001304286.2, NM_001411100.1); short protein forms W171C.
Identifiers: ClinVar variation 4292050 (VCV004292050.1).